The following is an entry in ClinVar:

NM_004304.5(ALK):c.1862C>A (p.Ala621Asp)

Gene: ALK (ALK receptor tyrosine kinase; minus strand). Cytogenetic location: 2p23.2.
Variant type: single nucleotide variant.
Coding change: c.1862C>A on transcript NM_004304.5 (MANE Select); coding-DNA position 1862, C replaced by A.
Protein change: p.Ala621Asp; replaces alanine 621 with aspartic acid.
Molecular consequence: missense variant.
Genome position (GRCh38, 1-based): chr2:29,275,452, G>T on the plus strand (C>A on the coding strand, the complement: ALK is on the minus strand). VCF-style: chr2-29275452-G-T. GRCh37 (hg19) VCF-style: chr2-29498318-G-T.
Other names: short protein forms A621D.
Identifiers: ClinVar variation 2624793 (VCV002624793.2), dbSNP rs2465332183, ClinGen allele CA346479959.

ClinVar aggregate classification (germline): Uncertain significance (1 of 4 stars; one submission).

Conditions:
Hereditary cancer-predisposing syndrome. Also called: Tumor predisposition; Hereditary Cancer Syndrome; Hereditary neoplastic syndrome; Neoplastic Syndromes, Hereditary. Identifiers: Orphanet 140162, MedGen C0027672, MeSH D009386, MONDO:0015356.

Submission:

Ambry Genetics
Classification: Uncertain significance for Hereditary cancer-predisposing syndrome. Last evaluated: 2023-08-30. Review status: criteria provided, single submitter. Criteria: Ambry Variant Classification Scheme 2023. Collection method: clinical testing. Allele origin: germline.
Comment: The p.A621D variant (also known as c.1862C>A), located in coding exon 10 of the ALK gene, results from a C to A substitution at nucleotide position 1862. The alanine at codon 621 is replaced by aspartic acid, an amino acid with dissimilar properties. This amino acid position is conserved. In addition, the in silico prediction for this alteration is inconclusive. Since supporting evidence is limited at this time, the clinical significance of this alteration remains unclear.